The following is an entry in ClinVar:

NM_015047.3(EMC1):c.2587+1G>T

Genes: EMC1 (ER membrane protein complex subunit 1; minus strand), EMC1-AS1 (EMC1 antisense RNA 1; plus strand). Cytogenetic location: 1p36.13.
Variant type: single nucleotide variant.
Coding change: c.2587+1G>T on transcript NM_015047.3 (MANE Select); the canonical splice donor site of the intron after coding-DNA position 2587, G replaced by T.
Molecular consequence: splice donor variant.
Genome position (GRCh38, 1-based): chr1:19,222,623, C>A on the plus strand (G>T on the coding strand, the complement: EMC1 is on the minus strand). VCF-style: chr1-19222623-C-A. GRCh37 (hg19) VCF-style: chr1-19549117-C-A.
Other names: c.2521+1G>T (NM_001271429.2); c.2584+1G>T (NM_001271427.2, NM_001271428.2); c.2593+1G>T (NM_001375821.1); c.2596+1G>T (NM_001375820.1).
Identifiers: ClinVar variation 2768480 (VCV002768480.3), dbSNP rs2536664620, ClinGen allele CA338753518.

ClinVar aggregate classification (germline): Likely pathogenic (1 of 4 stars; one submission).

Submission:

Labcorp Genetics (formerly Invitae), Labcorp
Classification: Likely pathogenic. Last evaluated: 2023-12-16. Review status: criteria provided, single submitter. Criteria: Invitae Variant Classification Sherloc (09022015). Collection method: clinical testing. Allele origin: germline.
Comment: This sequence change affects a donor splice site in intron 20 of the EMC1 gene. It is expected to disrupt RNA splicing. Variants that disrupt the donor or acceptor splice site typically lead to a loss of protein function (PMID: 16199547), and loss-of-function variants in EMC1 are known to be pathogenic (PMID: 26572623, 26942288, 29271071). This variant is not present in population databases (gnomAD no frequency). This variant has not been reported in the literature in individuals affected with EMC1-related conditions. Algorithms developed to predict the effect of sequence changes on RNA splicing suggest that this variant may disrupt the consensus splice site. In summary, the currently available evidence indicates that the variant is pathogenic, but additional data are needed to prove that conclusively. Therefore, this variant has been classified as Likely Pathogenic.

Literature cited by the submitters: PubMed 16199547; PubMed 26572623; PubMed 26942288; PubMed 29271071.